The following is an entry in ClinVar:

ClinVar aggregate classification (germline): Uncertain significance (1 of 4 stars; one submission).

Conditions:
Hereditary cancer-predisposing syndrome. Also called: Hereditary Cancer Syndrome; Hereditary neoplastic syndrome; Neoplastic Syndromes, Hereditary; Tumor predisposition. Identifiers: Orphanet 140162, MedGen C0027672, MeSH D009386, MONDO:0015356.

Submission:

Ambry Genetics
Classification: Uncertain significance for Hereditary cancer-predisposing syndrome. Last evaluated: 2022-03-16. Review status: criteria provided, single submitter. Criteria: Ambry Variant Classification Scheme 2023. Collection method: clinical testing. Allele origin: germline.
Comment: The p.H52P variant (also known as c.155A>C), located in coding exon 2 of the NTHL1 gene, results from an A to C substitution at nucleotide position 155. The histidine at codon 52 is replaced by proline, an amino acid with similar properties. This amino acid position is conserved. In addition, this alteration is predicted to be tolerated by in silico analysis. Since supporting evidence is limited at this time, the clinical significance of this alteration remains unclear.

NM_002528.7(NTHL1):c.131A>C (p.His44Pro)

Gene: NTHL1 (nth like DNA glycosylase 1; minus strand). Cytogenetic location: 16p13.3.
Variant type: single nucleotide variant.
Coding change: c.131A>C on transcript NM_002528.7 (MANE Select); coding-DNA position 131, A replaced by C.
Protein change: p.His44Pro; replaces histidine 44 with proline.
Molecular consequence: missense variant. On other transcripts: 5 prime UTR variant (1).
Genome position (GRCh38, 1-based): chr16:2,046,351, T>G on the plus strand (A>C on the coding strand, the complement: NTHL1 is on the minus strand). VCF-style: chr16-2046351-T-G. GRCh37 (hg19) VCF-style: chr16-2096352-T-G.
Other names: c.131A>C, p.His44Pro (NM_001318193.2); c.-48A>C (NM_001318194.2); short protein forms H44P.
Identifiers: ClinVar variation 1775219 (VCV001775219.2), dbSNP rs923173693, ClinGen allele CA394298045.